The following is an entry in ClinVar:

ClinVar aggregate classification (germline): Uncertain significance. Review status: criteria provided, multiple submitters, no conflicts (2 of 4 stars). 2 submissions from 2 submitters: Uncertain significance (2). Last evaluated 2025-02-23.

Allele frequency attached by ClinVar (database versions not stated): TOPMed below 0.00001; gnomAD 0.00001; gnomAD exomes 0.00001.

Submissions (2):

Ambry Genetics
Classification: Uncertain significance. Last evaluated: 2025-02-23. Review status: criteria provided, single submitter. Criteria: Ambry Variant Classification Scheme 2023. Collection method: clinical testing. Allele origin: germline.

Geisinger Autism and Developmental Medicine Institute, Geisinger Health System
Classification: Uncertain significance. Last evaluated: 2017-08-10. Review status: criteria provided, single submitter. Criteria: ACMG Guidelines, 2015. Collection method: provider interpretation, clinical testing. Allele origin: maternal. Observed: 1 variant allele.
Comment: This is a gene of uncertain significance; no known human disorders have been clearly associated with this gene. This variant is absent from gnomAD and computational models predict this variant is not likely to alter the protein structure/function. Additionally, whole exome sequencing also identified three additional variants of uncertain significance.

Literature cited by the submitters: PubMed 25679214 (cited by Geisinger Autism and Developmental Medicine Institute, Geisinger Health System).

NM_014370.4(SRPK3):c.23G>A (p.Gly8Asp)

Gene: SRPK3 (SRSF protein kinase 3; plus strand). Cytogenetic location: Xq28.
Variant type: single nucleotide variant.
Coding change: c.23G>A on transcript NM_014370.4 (MANE Select); coding-DNA position 23, G replaced by A.
Protein change: p.Gly8Asp; replaces glycine 8 with aspartic acid.
Molecular consequence: missense variant.
Genome position (GRCh38, 1-based): chrX:153,781,109, G>A. VCF-style: chrX-153781109-G-A. GRCh37 (hg19) VCF-style: chrX-153046564-G-A.
Other names: c.23G>A, p.Gly8Asp (NM_001170760.2, NM_001170761.2); short protein forms G8D.
Identifiers: ClinVar variation 560271 (VCV000560271.4), dbSNP rs1213993811, ClinGen allele CA415155051.